The following is an entry in ClinVar:

NM_001673.5(ASNS):c.1239-11dup

Genes: ASNS (asparagine synthetase (glutamine-hydrolyzing); minus strand), CZ1P-ASNS (CZ1P-ASNS readthrough; minus strand). Cytogenetic location: 7q21.3.
Variant type: Duplication.
Coding change: c.1239-11dup on transcript NM_001673.5 (MANE Select); 11 bases into the intron before coding-DNA position 1239, one base duplicated (T; older notation c.1239-11dupT).
Molecular consequence: intron variant.
Genome position (GRCh38, 1-based): chr7:97,853,397, A duplicated on the plus strand (T on the coding strand, the reverse complement: ASNS is on the minus strand); the first of 4 consecutive A bases (chr7:97,853,397-97,853,400); duplicating any one gives the same sequence. VCF-style (leftmost placement, unchanged base first): chr7-97853396-G-GA. GRCh37 (hg19) VCF-style: chr7-97482708-G-GA.
Other names: p.?; c.1239-11dup (NM_001352496.2, NM_183356.4, NM_133436.3); c.990-11dup (NM_001178076.2, NM_001178077.1); c.1176-11dup (NM_001178075.2).
Identifiers: ClinVar variation 1593214 (VCV001593214.9), dbSNP rs775218335, ClinGen allele CA4354544.

ClinVar aggregate classification (germline): Benign/Likely benign. Review status: criteria provided, multiple submitters, no conflicts (2 of 4 stars). 2 submissions from 2 submitters: Benign (1); Likely benign (1). Last evaluated 2025-09-02.

Submissions (2):

Mayo Clinic Laboratories, Mayo Clinic
Classification: Likely benign. Last evaluated: 2025-09-02. Review status: criteria provided, single submitter. Criteria: ACMG Guidelines, 2015. Collection method: clinical testing. Allele origin: germline. Observed: 1 variant allele.
Comment: BP4, BP7

Labcorp Genetics (formerly Invitae), Labcorp
Classification: Benign. Last evaluated: 2024-09-14. Review status: criteria provided, single submitter. Criteria: Invitae Variant Classification Sherloc (09022015). Collection method: clinical testing. Allele origin: germline.